The following is an entry in ClinVar:

ClinVar aggregate classification (germline): Uncertain significance (1 of 4 stars; one submission).

Allele frequency attached by ClinVar (database versions not stated): gnomAD exomes below 0.00001; ExAC 0.00001.
gnomAD v4.1: 1 of 1,204,127 alleles (0.000083%); highest among the groups gnomAD compares: Admixed American, 0.0022%; no homozygotes.

Submission:

Labcorp Genetics (formerly Invitae), Labcorp
Classification: Uncertain significance. Last evaluated: 2022-10-17. Review status: criteria provided, single submitter. Criteria: Invitae Variant Classification Sherloc (09022015). Collection method: clinical testing. Allele origin: germline.
Comment: This sequence change replaces tyrosine, which is neutral and polar, with histidine, which is basic and polar, at codon 103 of the CHM protein (p.Tyr103His). This variant is present in population databases (rs777754238, gnomAD 0.004%). This variant has not been reported in the literature in individuals affected with CHM-related conditions. Advanced modeling of protein sequence and biophysical properties (such as structural, functional, and spatial information, amino acid conservation, physicochemical variation, residue mobility, and thermodynamic stability) performed at Invitae indicates that this missense variant is not expected to disrupt CHM protein function. In summary, the available evidence is currently insufficient to determine the role of this variant in disease. Therefore, it has been classified as a Variant of Uncertain Significance.

NM_000390.4(CHM):c.307T>C (p.Tyr103His)

Gene: CHM (CHM Rab escort protein; minus strand). Cytogenetic location: Xq21.2.
Variant type: single nucleotide variant.
Coding change: c.307T>C on transcript NM_000390.4 (MANE Select); coding-DNA position 307, T replaced by C.
Protein change: p.Tyr103His; replaces tyrosine 103 with histidine.
Molecular consequence: missense variant. On other transcripts: 5 prime UTR variant (4).
Genome position (GRCh38, 1-based): chrX:85,978,774, A>G on the plus strand (T>C on the coding strand, the complement: CHM is on the minus strand). VCF-style: chrX-85978774-A-G. GRCh37 (hg19) VCF-style: chrX-85233778-A-G.
Other names: c.307T>C, p.Tyr103His (NM_001145414.4); c.-138T>C (NM_001320959.1, NM_001362517.1); c.-134T>C (NM_001362518.2, NM_001362519.1); short protein forms Y103H.
Identifiers: ClinVar variation 2042427 (VCV002042427.1), dbSNP rs777754238, ClinGen allele CA10465614.